The following is an entry in ClinVar:

ClinVar aggregate classification (germline): Uncertain significance. Review status: criteria provided, multiple submitters, no conflicts (2 of 4 stars). 2 submissions from 2 submitters: Uncertain significance (2). Last evaluated 2025-02-05.

Conditions:
Inborn genetic diseases. Identifiers: MedGen C0950123, MeSH D030342.
Thrombocytosis. Also called: Thrombocytosis disease; Thrombocythemia. Identifiers: MedGen C0836924, MONDO:0002249, HP:0001894.

gnomAD v4.1: 5 of 1,484,860 alleles (0.00034%); highest among the groups gnomAD compares: African/African-American, 0.0015%; no homozygotes.

Submissions (2):

St. Jude Molecular Pathology, St. Jude Children's Research Hospital
Classification: Uncertain significance for Thrombocythemia. Last evaluated: 2025-02-05. Review status: criteria provided, single submitter. Criteria: St. Jude Assertion Criteria 2020. Collection method: clinical testing. Allele origin: germline.
Comment: The SH2B3 c.520G>A (p.Ala174Thr) missense change is absent in gnomAD v2.1.1. The in silico tool REVEL predicts a benign effect on protein function, but to our knowledge this prediction has not been confirmed by functional studies. This variant has not been reported in individuals with SH2B3-associated thrombocythemia. In summary, the evidence currently available is insufficient to determine the clinical significance of this variant. It has therefore been classified as of uncertain significance.

Ambry Genetics
Classification: Uncertain significance for Inborn genetic diseases. Last evaluated: 2024-11-25. Review status: criteria provided, single submitter. Criteria: Ambry Variant Classification Scheme 2023. Collection method: clinical testing. Allele origin: germline.
Comment: The p.A174T variant (also known as c.520G>A), located in coding exon 1 of the SH2B3 gene, results from a G to A substitution at nucleotide position 520. The alanine at codon 174 is replaced by threonine, an amino acid with similar properties. This amino acid position is conserved. In addition, this alteration is predicted to be tolerated by in silico analysis. Based on the available evidence, the clinical significance of this variant remains unclear.

NM_005475.3(SH2B3):c.520G>A (p.Ala174Thr)

Gene: SH2B3 (SH2B adaptor protein 3; plus strand). Cytogenetic location: 12q24.12.
Variant type: single nucleotide variant.
Coding change: c.520G>A on transcript NM_005475.3 (MANE Select); coding-DNA position 520, G replaced by A.
Protein change: p.Ala174Thr; replaces alanine 174 with threonine.
Molecular consequence: missense variant.
Genome position (GRCh38, 1-based): chr12:111,418,665, G>A. VCF-style: chr12-111418665-G-A. GRCh37 (hg19) VCF-style: chr12-111856469-G-A.
Other names: short protein forms A174T.
Identifiers: ClinVar variation 3440784 (VCV003440784.2).